The following is an entry in ClinVar:

ClinVar aggregate classification (germline): Benign/Likely benign. Review status: criteria provided, multiple submitters, no conflicts (2 of 4 stars). 2 submissions from 2 submitters: Benign (1); Likely benign (1). Last evaluated 2025-04-09.

Conditions:
Tuberous sclerosis 1 (TSC1). Identifiers: Orphanet 805, MedGen C1854465, MONDO:0008612, OMIM 191100.

Submissions (2):

Myriad Genetics, Inc.
Classification: Benign for Tuberous sclerosis 1. Last evaluated: 2025-04-09. Review status: criteria provided, single submitter. Criteria: Myriad Autosomal Dominant, Autosomal Recessive and X-Linked Classification Criteria (2023). Collection method: clinical testing. Allele origin: unknown.
Comment: This variant is considered benign. This variant is a silent/synonymous amino acid change and it is not expected to impact splicing.

Labcorp Genetics (formerly Invitae), Labcorp
Classification: Likely benign for Tuberous sclerosis 1. Last evaluated: 2018-09-30. Review status: criteria provided, single submitter. Criteria: Invitae Variant Classification Sherloc (09022015). Collection method: clinical testing. Allele origin: germline.

NM_000368.5(TSC1):c.1464G>A (p.Glu488=)

Gene: TSC1 (TSC complex subunit 1; minus strand). Cytogenetic location: 9q34.13.
Variant type: single nucleotide variant.
Coding change: c.1464G>A on transcript NM_000368.5 (MANE Select); coding-DNA position 1464, G replaced by A.
Protein change: p.Glu488=; no amino-acid change (glutamic acid 488 retained).
Molecular consequence: synonymous variant.
Genome position (GRCh38, 1-based): chr9:132,906,114, C>T on the plus strand (G>A on the coding strand, the complement: TSC1 is on the minus strand). VCF-style: chr9-132906114-C-T. GRCh37 (hg19) VCF-style: chr9-135781501-C-T.
Other names: c.1461G>A, p.Glu487= (NM_001162426.2); c.1311G>A, p.Glu437= (NM_001162427.2); c.1101G>A, p.Glu367= (NM_001362177.2).
Identifiers: ClinVar variation 755002 (VCV000755002.11), dbSNP rs1588311193, ClinGen allele CA467591212.